The following is an entry in ClinVar:

ClinVar aggregate classification (germline): Uncertain significance. Review status: criteria provided, multiple submitters, no conflicts (2 of 4 stars). 2 submissions from 2 submitters: Uncertain significance (2). Last evaluated 2024-12-29.

Conditions:
Inborn genetic diseases. Identifiers: MedGen C0950123, MeSH D030342.

Allele frequency attached by ClinVar (database versions not stated): ExAC 0.00001; gnomAD exomes 0.00001; TOPMed 0.00001.
gnomAD v4.1: 8 of 1,614,070 alleles (0.0005%); highest among the groups gnomAD compares: Non-Finnish European, 0.00068%; no homozygotes.

Submissions (2):

Ambry Genetics
Classification: Uncertain significance for Inborn genetic diseases. Last evaluated: 2024-12-29. Review status: criteria provided, single submitter. Criteria: Ambry Variant Classification Scheme 2023. Collection method: clinical testing. Allele origin: germline.

Labcorp Genetics (formerly Invitae), Labcorp
Classification: Uncertain significance. Last evaluated: 2024-11-11. Review status: criteria provided, single submitter. Criteria: Invitae Variant Classification Sherloc (09022015). Collection method: clinical testing. Allele origin: germline.
Comment: This sequence change replaces aspartic acid, which is acidic and polar, with asparagine, which is neutral and polar, at codon 471 of the GRM6 protein (p.Asp471Asn). This variant is present in population databases (rs759501962, gnomAD 0.005%). This variant has not been reported in the literature in individuals affected with GRM6-related conditions. ClinVar contains an entry for this variant (Variation ID: 1346116). Invitae Evidence Modeling of protein sequence and biophysical properties (such as structural, functional, and spatial information, amino acid conservation, physicochemical variation, residue mobility, and thermodynamic stability) indicates that this missense variant is not expected to disrupt GRM6 protein function with a negative predictive value of 95%. In summary, the available evidence is currently insufficient to determine the role of this variant in disease. Therefore, it has been classified as a Variant of Uncertain Significance.

NM_000843.4(GRM6):c.1411G>A (p.Asp471Asn)

Genes: GRM6 (glutamate metabotropic receptor 6; minus strand), ZNF454 (zinc finger protein 454; plus strand). Cytogenetic location: 5q35.3.
Variant type: single nucleotide variant.
Coding change: c.1411G>A on transcript NM_000843.4 (MANE Select); coding-DNA position 1411, G replaced by A.
Protein change: p.Asp471Asn; replaces aspartic acid 471 with asparagine.
Molecular consequence: missense variant.
Genome position (GRCh38, 1-based): chr5:178,986,927, C>T on the plus strand (G>A on the coding strand, the complement: GRM6 is on the minus strand). VCF-style: chr5-178986927-C-T. GRCh37 (hg19) VCF-style: chr5-178413928-C-T.
Other names: c.1411G>A (NM_000843.3); short protein forms D471N.
Identifiers: ClinVar variation 1346116 (VCV001346116.9), dbSNP rs759501962, ClinGen allele CA3594055.
Genomic context (GRCh38, chr5:178,986,927, plus strand): 5'-CCACTGCCTGGTACCCGCCACTGCTGGCACTGCCATTGGTCGCCTGGTACTGGAAGATGT[C>T]GTACCGCCCGGGCGCATCTCCGTTCTCGTTGAACATCACAGGGGTTCCTGCGCTGCCTGG-3'
Protein context (NP_000834.2, residues 461-481): NENGDAPGRY[Asp471Asn]IFQYQATNGS